The following is an entry in ClinVar:

NM_024675.4(PALB2):c.209_211+4del

Gene: PALB2 (partner and localizer of BRCA2; minus strand). Cytogenetic location: 16p12.2.
Variant type: Deletion.
Coding change: c.209_211+4del on transcript NM_024675.4 (MANE Select); coding-DNA position 209 through 4 bases into the intron after coding-DNA position 211, 7 bases deleted (CAGGTAA; older notation c.209_211+4delCAGGTAA).
Molecular consequence: splice donor variant. On other transcripts: intron variant (3).
Genome position (GRCh38, 1-based): chr16:23,637,846-23,637,852, TTACCTG deleted on the plus strand (CAGGTAA on the coding strand, the reverse complement: PALB2 is on the minus strand). VCF-style (leftmost placement, unchanged base first): chr16-23637845-TTTACCTG-T. GRCh37 (hg19) VCF-style: chr16-23649166-TTTACCTG-T.
Other names: c.-677_-675+4del (NM_001407308.1, NM_001407306.1, NM_001407307.1 and 5 more transcripts); c.48+3258_48+3264del (NM_001407314.1); c.-105+3258_-105+3264del (NM_001407313.1, NM_001407312.1); c.149_151+4del (NM_001407296.1); c.209_211+4del (NM_001407297.1, NM_001407302.1, NM_001407298.1 and 3 more transcripts).
Identifiers: ClinVar variation 3904710 (VCV003904710.1).

ClinVar aggregate classification (germline): Likely pathogenic (1 of 4 stars; one submission).

Conditions:
Familial cancer of breast. Also called: Hereditary breast cancer; hereditary breast carcinoma; BREAST CANCER, FAMILIAL. Identifiers: Orphanet 227535, MedGen C0346153, MONDO:0016419, OMIM 114480. Disease mechanism: loss of function.

Submission:

Myriad Genetics, Inc.
Classification: Likely pathogenic for Familial cancer of breast. Last evaluated: 2025-01-28. Review status: criteria provided, single submitter. Criteria: Myriad Autosomal Dominant, Autosomal Recessive and X-Linked Classification Criteria (2023). Collection method: clinical testing. Allele origin: unknown.
Comment: This variant is considered likely pathogenic. This variant occurs within a consensus splice junction and is predicted to result in abnormal mRNA splicing of either an out-of-frame exon or an in-frame exon necessary for protein stability and/or normal function.